The following is an entry in ClinVar:

NM_005476.7(GNE):c.794T>C (p.Met265Thr)

Gene: GNE (glucosamine (UDP-N-acetyl)-2-epimerase/N-acetylmannosamine kinase; minus strand). Cytogenetic location: 9p13.3.
Variant type: single nucleotide variant.
Coding change: c.794T>C on transcript NM_005476.7 (MANE Select); coding-DNA position 794, T replaced by C.
Protein change: p.Met265Thr; replaces methionine 265 with threonine.
Molecular consequence: missense variant.
Genome position (GRCh38, 1-based): chr9:36,234,108, A>G on the plus strand (T>C on the coding strand, the complement: GNE is on the minus strand). VCF-style: chr9-36234108-A-G. GRCh37 (hg19) VCF-style: chr9-36234105-A-G.
Other names: c.887T>C, p.Met296Thr (NM_001128227.3); c.794T>C, p.Met265Thr (NM_001190383.3); c.464T>C, p.Met155Thr (NM_001190384.3); c.617T>C, p.Met206Thr (NM_001190388.2, NM_001374798.1); c.641T>C, p.Met214Thr (NM_001374797.1); short protein forms M214T, M155T, M206T, M265T, M296T.
Identifiers: ClinVar variation 1475843 (VCV001475843.13), dbSNP rs2133068813, ClinGen allele CA373430863.

ClinVar aggregate classification (germline): Conflicting classifications of pathogenicity. Review status: criteria provided, conflicting classifications (1 of 4 stars). 3 submissions from 3 submitters: Likely pathogenic (1); Uncertain significance (2). Last evaluated 2025-02-10.

Conditions:
GNE myopathy (NM). Also called: NONAKA DISTAL MYOPATHY; INCLUSION BODY MYOPATHY, HEREDITARY, AUTOSOMAL RECESSIVE; INCLUSION BODY MYOPATHY 2, AUTOSOMAL RECESSIVE; MYOPATHY, DISTAL, WITH OR WITHOUT RIMMED VACUOLES; IBM 2; Inclusion body myopathy autosomal recessive. Identifiers: Orphanet 602, MedGen C1853926, MONDO:0011603, OMIM 605820.
Sialuria. Also called: Sialic Acid Storage Disease; SIALURIA, FRENCH TYPE. Identifiers: Orphanet 3166, MedGen C0342853, MONDO:0010028, OMIM 269921.

Allele frequency attached by ClinVar (database versions not stated): gnomAD exomes 0.00001.
gnomAD v4.1: 4 of 1,613,868 alleles (0.00025%); highest among the groups gnomAD compares: Non-Finnish European, 0.00034%; no homozygotes.

Submissions (3):

Clinical Omics and Informatics (COIN) Unit, Neuroscience Institute, University Of Cape Town
Classification: Likely pathogenic for GNE myopathy. Last evaluated: 2025-02-10. Review status: criteria provided, single submitter. Criteria: ACMG Guidelines, 2015. Collection method: research. Allele origin: germline. Inheritance: Autosomal recessive inheritance. Affected: yes. Observed: 1 variant allele, 1 homozygote.
Comment: PM2_Supporting: variant is absent from gnomAD v4 (adequate coverage >20X confirmed). PP3 Met: REVEL score is 0.773. PP2 Met: Missense Z score is 3.99. PM3 Met: 1.5 points awarded- 0.5 points for homozygous observation of variant in proband under assessment and 1 point for LP/P variant confirmed in trans with this variant in a proband with consistent phenotype for disorder. Sequencing funded by the International Centre for Genomic Medicine in Neuromuscular Diseases (ICGNMD).

Labcorp Genetics (formerly Invitae), Labcorp
Classification: Uncertain significance for Sialuria; GNE myopathy. Last evaluated: 2024-10-28. Review status: criteria provided, single submitter. Criteria: Invitae Variant Classification Sherloc (09022015). Collection method: clinical testing. Allele origin: germline.
Comment: This sequence change replaces methionine, which is neutral and non-polar, with threonine, which is neutral and polar, at codon 296 of the GNE protein (p.Met296Thr). This variant is not present in population databases (gnomAD no frequency). This missense change has been observed in individual(s) with autosomal recessive inclusion body myopathy (PMID: 23437777). This variant is also known as p.M265T. ClinVar contains an entry for this variant (Variation ID: 1475843). Invitae Evidence Modeling of protein sequence and biophysical properties (such as structural, functional, and spatial information, amino acid conservation, physicochemical variation, residue mobility, and thermodynamic stability) has been performed for this missense variant. However, the output from this modeling did not meet the statistical confidence thresholds required to predict the impact of this variant on GNE protein function. In summary, the available evidence is currently insufficient to determine the role of this variant in disease. Therefore, it has been classified as a Variant of Uncertain Significance.

Women's Health and Genetics/Laboratory Corporation of America, LabCorp
Classification: Uncertain significance. Last evaluated: 2024-05-20. Review status: criteria provided, single submitter. Criteria: LabCorp Variant Classification Summary - May 2015. Collection method: clinical testing. Allele origin: germline.
Comment: Variant summary: GNE c.887T>C (p.Met296Thr) results in a non-conservative amino acid change located in the UDP-N-acetylglucosamine 2-epimerase domain (IPR003331) of the encoded protein sequence. Three of five in-silico tools predict a damaging effect of the variant on protein function. The variant was absent in 251444 control chromosomes. The available data on variant occurrences in the general population are insufficient to allow any conclusion about variant significance. c.887T>C has been reported in the literature in the compound heterozygous state in at least one individual affected with Inclusion Body Myopathy (e.g. No_2013). These data do not allow any conclusion about variant significance. To our knowledge, no experimental evidence demonstrating an impact on protein function has been reported. The following publication have been ascertained in the context of this evaluation (PMID: 23437777). ClinVar contains an entry for this variant (Variation ID: 1475843). Based on the evidence outlined above, the variant was classified as uncertain significance.

Literature cited by the submitters: PubMed 23437777 (cited by Labcorp Genetics (formerly Invitae), Labcorp and Women's Health and Genetics/Laboratory Corporation of America, LabCorp).